The following is an entry in ClinVar:

ClinVar aggregate classification (germline): Uncertain significance; drug response. Review status: reviewed by expert panel (3 of 4 stars). 15 submissions from 9 submitters: Uncertain significance (1). 7 of the submissions do not count toward it. Last evaluated 2023-05-20.

Conditions:
RYR1-related disorder. Also called: RYR1-related disorders; RYR1-related condition. Identifiers: MedGen CN239331.
Malignant hyperthermia, susceptibility to, 1 (MHS1). Also called: Malignant hyperthermia suceptibility 1; Anesthesia related hyperthermia; Malignant hyperpyrexia; Fulminating hyperpyrexia; Pharmacogenic myopathy; RYR1-Related Malignant Hyperthermia Susceptibility. Identifiers: Orphanet 423, MedGen C2930980, MONDO:0007783, OMIM 145600.
Central core myopathy (CMYO1A). Also called: CONGENITAL MYOPATHY 1A, AUTOSOMAL DOMINANT, WITH SUSCEPTIBILITY TO MALIGNANT HYPERTHERMIA; Central core disease; Myopathy, central fibrillar. Identifiers: Orphanet 597, MedGen C5830701, MONDO:0007294, OMIM 117000.
desflurane response - Toxicity.
succinylcholine response - Toxicity.
sevoflurane response - Toxicity.
methoxyflurane response - Toxicity.
isoflurane response - Toxicity.
halothane response - Toxicity.
enflurane response - Toxicity.

Allele frequency attached by ClinVar (database versions not stated): gnomAD exomes below 0.00001 and 0.00001; TOPMed below 0.00001; ExAC 0.00001.
gnomAD v4.1: 3 of 1,614,126 alleles (0.00019%); highest among the groups gnomAD compares: Non-Finnish European, 0.00025%; no homozygotes.

Submissions (15):

ClinGen Malignant Hyperthermia Susceptibility Variant Curation Expert Panel, ClinGen
Classification: Uncertain significance for Malignant hyperthermia, susceptibility to, 1. Last evaluated: 2023-05-20. Review status: reviewed by expert panel. Criteria: ClinGen MHS ACMG Specifications V2. Collection method: curation. Allele origin: germline. Inheritance: Autosomal dominant inheritance.
Comment: The ClinGen RYR1-MHS variant curation expert panel is focused on assessing variants in RYR1 for pathogenicity as related to malignant hyperthermia susceptibility (MHS) inherited in an autosomal dominant pattern. Variants in RYR1 can also cause other myopathies inherited in an autosomal dominant pattern or in an autosomal recessive pattern. Some of these disorders may predispose individuals to malignant hyperthermia. RYR1 variants may also contribute to a malignant hyperthermia reaction in combination with other genetic and non-genetic factors and the clinician needs to consider such factors in making management decisions. This sequence variant predicts a substitution of Isoleucine with Methionine at codon 403 of the RYR1 protein, p.(Ile403Met). The maximum allele frequency for this variant among the six major gnomAD populations is NFE: 0.0000088, a frequency consistent with pathogenicity for MHS. This variant has been reported in individuals with a personal or family history of an MH episode or central core disease but without sufficient information to consider the reports for informing PS4 in relation to MHS inherited in an autosomal dominant pattern (PMID:8220423). This variant has been identified in an individual with negative IVCT/CHCT results, BS2_Moderate (PMID:32861507). Functional studies in HEK293 cells show an increased sensitivity to RYR1 agonists, PS3_Moderate (PMID:9334205). Additional functional studies have been published for this variant that did not show statistical differences in Ca2+ release when compared to wildtype RYR1, however, those assays were not considered standard assays for variant interpretation in regard to MHS by the ClinGen RYR1 VCEP (PMID:11524458). This variant resides in a region of RYR1 considered to be a hotspot for pathogenic variants that contribute to MHS, PM1 (PMID: 21118704). A REVEL score of 0.618 supports neither a pathogenic nor a benign status for this variant. This variant has been classified as a Variant of Unknown Significance in relation to MHS inherited in an autosomal dominant pattern. Criteria implemented: PS3_Moderate, PM1, BS2_Moderate.

ClinPGx
Classification: drug response for desflurane response - Toxicity. Last evaluated: 2021-03-24. Review status: reviewed by expert panel. Criteria: Pharmacogenomics knowledge for personalized medicine. Collection method: curation. Allele origin: germline. Affected: yes.
Comment: PharmGKB Level of Evidence 1A: Level 1A clinical annotations describe variant-drug combinations that have variant-specific prescribing guidance available in a current clinical guideline annotation or an FDA-approved drug label annotation. Annotations of drug labels or clinical guidelines must give prescribing guidance for specific variants (e.g. CYP2C9*3, HLA-B*57:01) or provide mapping from defined allele functions to diplotypes and phenotypes to be used as supporting evidence for a level 1A clinical annotation. Level 1A clinical annotations must also be supported by at least one publication in addition to a clinical guideline or drug label with variant-specific prescribing guidance.

Drug is not necessarily used to treat response condition

ClinPGx
Classification: drug response for enflurane response - Toxicity. Last evaluated: 2021-03-24. Review status: reviewed by expert panel. Criteria: Pharmacogenomics knowledge for personalized medicine. Collection method: curation. Allele origin: germline. Affected: yes.
Comment: the same text as in the submission from ClinPGx above.

ClinPGx
Classification: drug response for halothane response - Toxicity. Last evaluated: 2021-03-24. Review status: reviewed by expert panel. Criteria: Pharmacogenomics knowledge for personalized medicine. Collection method: curation. Allele origin: germline. Affected: yes.
Comment: the same text as in the submission from ClinPGx above.

ClinPGx
Classification: drug response for isoflurane response - Toxicity. Last evaluated: 2021-03-24. Review status: reviewed by expert panel. Criteria: Pharmacogenomics knowledge for personalized medicine. Collection method: curation. Allele origin: germline. Affected: yes.
Comment: the same text as in the submission from ClinPGx above.

ClinPGx
Classification: drug response for methoxyflurane response - Toxicity. Last evaluated: 2021-03-24. Review status: reviewed by expert panel. Criteria: Pharmacogenomics knowledge for personalized medicine. Collection method: curation. Allele origin: germline. Affected: yes.
Comment: the same text as in the submission from ClinPGx above.

ClinPGx
Classification: drug response for sevoflurane response - Toxicity. Last evaluated: 2021-03-24. Review status: reviewed by expert panel. Criteria: Pharmacogenomics knowledge for personalized medicine. Collection method: curation. Allele origin: germline. Affected: yes.
Comment: the same text as in the submission from ClinPGx above.

ClinPGx
Classification: drug response for succinylcholine response - Toxicity. Last evaluated: 2021-03-24. Review status: reviewed by expert panel. Criteria: Pharmacogenomics knowledge for personalized medicine. Collection method: curation. Allele origin: germline. Affected: yes.
Comment: the same text as in the submission from ClinPGx above.

Women's Health and Genetics/Laboratory Corporation of America, LabCorp
Classification: Uncertain significance. Last evaluated: 2024-09-03. Review status: criteria provided, single submitter. Criteria: LabCorp Variant Classification Summary - May 2015. Collection method: clinical testing. Allele origin: germline. Not counted in ClinVar's aggregate classification.
Comment: Variant summary: RYR1 c.1209C>G (p.Ile403Met) results in a conservative amino acid change in the encoded protein sequence. Four of five in-silico tools predict a damaging effect of the variant on protein function. The variant allele was found at a frequency of 4e-06 in 251444 control chromosomes. c.1209C>G has been reported in the literature in heterozygous individuals affected with Central Core Disease (Quane_1993, Fusto_2022) and an individual with a family history of Malignant Hyperthermia Susceptibility (Ibarra Moreno_2020). These data do not allow any conclusion about variant significance. At least one publication reports experimental evidence evaluating an impact on protein function. The most pronounced variant effect results in increased sensitivity to RYR1 agonists in transfected HEK293 cells (Tong_1997). The following publications have been ascertained in the context of this evaluation (PMID: 11524458, 35428369, 32861507, 8220423, 9334205, 9873004). ClinVar contains an entry for this variant (Variation ID: 12968). Based on the evidence outlined above, the variant was classified as VUS-possibly pathogenic.

All of Us Research Program, National Institutes of Health
Classification: Uncertain significance for Malignant hyperthermia, susceptibility to, 1. Last evaluated: 2024-03-05. Review status: criteria provided, single submitter. Criteria: ACMG Guidelines, 2015. Collection method: clinical testing. Allele origin: germline. Inheritance: Autosomal dominant inheritance. Observed: 2 variant alleles, 2 heterozygotes. Not counted in ClinVar's aggregate classification.
Comment: This missense variant replaces isoleucine with methionine at codon 403 of the RYR1 protein. Computational prediction is inconclusive regarding the impact of this variant on protein structure and function (internally defined REVEL score threshold 0.5 < inconclusive < 0.7, PMID: 27666373). A functional study has shown that the resting Ca2+ concentration was found to be higher and the maximum caffeine-induced Ca2+ released was lower in cells expressing this variant compared to cells expressing wild-type RYR1 (PMID: 9873004). This variant has not been reported in individuals affected with autosomal dominant malignant hyperthermia in the literature, although it is associated with other phenotype(s) (ClinVar Variation ID: 12968). This variant has been reported in an individual who tested negative for malignant hyperthermia susceptibility by CHCT (PMID: 32861507). This variant has been identified in 1/251444 chromosomes in the general population by the Genome Aggregation Database (gnomAD). Due to insufficient evidence, this variant is classified as a Variant of Uncertain Significance for autosomal dominant malignant hyperthermia.

This study involves interpretation of variants in research participants for the purpose of population health screening. Participant phenotype was not available at the time of variant classification. Additional details can be found in publication PMID: 35346344, PMCID: PMC8962531

Labcorp Genetics (formerly Invitae), Labcorp
Classification: Uncertain significance for RYR1-related disorder. Last evaluated: 2024-02-23. Review status: criteria provided, single submitter. Criteria: Invitae Variant Classification Sherloc (09022015). Collection method: clinical testing. Allele origin: germline. Not counted in ClinVar's aggregate classification.
Comment: This sequence change replaces isoleucine, which is neutral and non-polar, with methionine, which is neutral and non-polar, at codon 403 of the RYR1 protein (p.Ile403Met). This variant is present in population databases (rs118192116, gnomAD 0.0009%). This missense change has been observed in individual(s) with RYR1-related conditions (PMID: 8220423, 32861507, 35428369). ClinVar contains an entry for this variant (Variation ID: 12968). Advanced modeling of protein sequence and biophysical properties (such as structural, functional, and spatial information, amino acid conservation, physicochemical variation, residue mobility, and thermodynamic stability) has been performed at Invitae for this missense variant, however the output from this modeling did not meet the statistical confidence thresholds required to predict the impact of this variant on RYR1 protein function. Experimental studies have shown that this missense change affects RYR1 function (PMID: 9334205, 9873004, 11524458). In summary, the available evidence is currently insufficient to determine the role of this variant in disease. Therefore, it has been classified as a Variant of Uncertain Significance.

Molecular Diagnostics Laboratory, M Health Fairview: University of Minnesota
Classification: Likely pathogenic for Central core myopathy. Last evaluated: 2017-11-15. Review status: criteria provided, single submitter. Criteria: ACMG Guidelines, 2015. Collection method: clinical testing. Allele origin: germline. Affected: yes. Observed: 1 variant allele. Not counted in ClinVar's aggregate classification.

GeneReviews
Classification: Pathogenic for Central Core Disease. Last evaluated: 2010-05-11. Review status: no assertion criteria provided. Collection method: curation. Allele origin: unknown. Not counted in ClinVar's aggregate classification.
ClinVar note: Converted during submission from pathologic to Pathogenic.

OMIM
Classification: Pathogenic for CONGENITAL MYOPATHY 1A, AUTOSOMAL DOMINANT. Last evaluated: 1993-09-01. Review status: no assertion criteria provided. Collection method: literature only. Allele origin: germline. Not counted in ClinVar's aggregate classification.

RYR1 database
No classification provided. Review status: no classification provided. Collection method: not provided. Allele origin: unknown. Not counted in ClinVar's aggregate classification.

Literature cited by the submitters: PubMed 8220423 (cited by 5 submitters); PubMed 9334205 (cited by 3 submitters); PubMed 35428369 (cited by Women's Health and Genetics/Laboratory Corporation of America, LabCorp and Labcorp Genetics (formerly Invitae), Labcorp); PubMed 11524458 (cited by Women's Health and Genetics/Laboratory Corporation of America, LabCorp and Labcorp Genetics (formerly Invitae), Labcorp); PubMed 32861507 (cited by 3 submitters); PubMed 9873004 (cited by 4 submitters); PubMed 9497245 (cited by Molecular Diagnostics Laboratory, M Health Fairview: University of Minnesota).

NM_000540.3(RYR1):c.1209C>G (p.Ile403Met)

Gene: RYR1 (ryanodine receptor 1; plus strand). Cytogenetic location: 19q13.2.
Variant type: single nucleotide variant.
Coding change: c.1209C>G on transcript NM_000540.3 (MANE Select); coding-DNA position 1209, C replaced by G.
Protein change: p.Ile403Met; replaces isoleucine 403 with methionine.
Molecular consequence: missense variant.
Genome position (GRCh38, 1-based): chr19:38,451,850, C>G. VCF-style: chr19-38451850-C-G. GRCh37 (hg19) VCF-style: chr19-38942490-C-G.
Other names: NM_000540.3(RYR1):c.1209C>G; c.1209C>G, p.Ile403Met (NM_001042723.2); short protein forms I403M.
Identifiers: ClinVar variation 12968 (VCV000012968.14), dbSNP rs118192116, ClinGen allele CA023968.